The following is an entry in ClinVar:

NM_001759.4(CCND2):c.798dup (p.Asp267Ter)

Gene: CCND2 (cyclin D2; plus strand). Cytogenetic location: 12p13.32.
Variant type: Duplication.
Coding change: c.798dup on transcript NM_001759.4 (MANE Select); coding-DNA position 798, one base duplicated (T; older notation c.798dupT).
Protein change: p.Asp267Ter; replaces aspartic acid 267 with a stop codon.
Molecular consequence: nonsense.
Genome position (GRCh38, 1-based): chr12:4,299,937, T duplicated. VCF-style (leftmost placement, unchanged base first): chr12-4299936-G-GT. GRCh37 (hg19) VCF-style: chr12-4409102-G-GT.
Other names: short protein forms D267*.
Identifiers: ClinVar variation 4836942 (VCV004836942.2).

ClinVar aggregate classification (germline): Likely pathogenic (1 of 4 stars; one submission).

Conditions:
Inborn genetic diseases. Identifiers: MedGen C0950123, MeSH D030342.

Submission:

Ambry Genetics
Classification: Likely pathogenic for Inborn genetic diseases. Last evaluated: 2026-07-15. Review status: criteria provided, single submitter. Criteria: Ambry Variant Classification Scheme 2023. Collection method: clinical testing. Allele origin: germline.
Comment: The c.798dupT (p.D267*) variant, located in exon 5 (coding exon 5) of the CCND2 gene, consists of a duplication of T at position 798. This changes the amino acid from an aspartic acid to a stop codon at amino acid position 267. This variant occurs at the 3' terminus of the CCND2 gene and is not expected to trigger nonsense-mediated mRNA decay. for CCND2-related megalencephaly-polymicrogyria-polydactyly-hydrocephalus syndrome; however, its clinical significance for CCND2-related microcephaly is uncertain. This variant was not reported in population-based cohorts in the Genome Aggregation Database (gnomAD). This variant is located in a region of the protein where truncating variants that escape nonsense mediated mRNA decay have been reported as disease-causing for CCND2-related megalencephaly-polymicrogyria-polydactyly-hydrocephalus syndrome (Mirzaa, 2014; Zhao, 2024). Based on the available evidence, this alteration is classified as likely pathogenic.

Literature cited by the submitters: PubMed 24705253; PubMed 38700464.